The following is an entry in ClinVar:

NM_001048174.2(MUTYH):c.196dup (p.Thr66fs)

Gene: MUTYH (mutY DNA glycosylase; minus strand). Cytogenetic location: 1p34.1.
Variant type: Duplication.
Coding change: c.196dup on transcript NM_001048174.2 (MANE Select); coding-DNA position 196, one base duplicated (A; older notation c.196dupA).
Protein change: p.Thr66fs; shifts the reading frame from threonine 66.
Molecular consequence: frameshift variant. On other transcripts: 5 prime UTR variant (6), non-coding transcript variant (7).
Genome position (GRCh38, 1-based): chr1:45,333,481, T duplicated on the plus strand (A on the coding strand, the reverse complement: MUTYH is on the minus strand). VCF-style (leftmost placement, unchanged base first): chr1-45333480-G-GT. GRCh37 (hg19) VCF-style: chr1-45799152-G-GT.
Other names: c.280dupA (NM_001128425.1, NM_001128425.2); c.-76dup (NM_001407082.1, NM_001350650.2, NM_001350651.2); c.238dup, p.Thr80fs (NM_001407083.1, NM_001407085.1, NM_001407073.1); c.199dup, p.Thr67fs (NM_001407086.1, NM_001407078.1, NM_001407079.1 and 2 more transcripts); c.217dup, p.Thr73fs (NM_001407087.1); c.196dup, p.Thr66fs (NM_001407088.1, NM_001407089.1, NM_001407072.1 and 6 more transcripts); c.-81dup (NM_001407091.1, NM_001293192.2, NM_001293196.2); c.271dup, p.Thr91fs (NM_012222.3, NM_001407069.1); and 4 more; short protein forms T38fs, T66fs, T67fs, T73fs, T77fs, T80fs, T81fs, T91fs.
Identifiers: ClinVar variation 2581334 (VCV002581334.3), dbSNP rs2524271890, ClinGen allele CA2582341920.

ClinVar aggregate classification (germline): Pathogenic (1 of 4 stars; one submission).

Conditions:
Familial adenomatous polyposis 2. Also called: ADENOMAS, MULTIPLE COLORECTAL, AUTOSOMAL RECESSIVE; MUTYH-associated polyposis; COLORECTAL ADENOMATOUS POLYPOSIS, AUTOSOMAL RECESSIVE; MUTYH Polyposis; MYH-associated polyposis; Adenomas, multiple colorectal. Identifiers: Orphanet 220460, Orphanet 247798, MedGen C3272841, MONDO:0012041, OMIM 608456.

Submission:

Women's Health and Genetics/Laboratory Corporation of America, LabCorp
Classification: Pathogenic for Familial adenomatous polyposis 2. Last evaluated: 2025-04-22. Review status: criteria provided, single submitter. Criteria: LabCorp Variant Classification Summary - May 2015. Collection method: clinical testing. Allele origin: germline.
Comment: Variant summary: MUTYH c.280dupA (p.Thr94AsnfsX27) results in a premature termination codon, predicted to cause a truncation of the encoded protein or absence of the protein due to nonsense mediated decay, which are commonly known mechanisms for disease. The variant was absent in 251492 control chromosomes. To our knowledge, no occurrence of c.280dupA in individuals affected with MUTYH-Associated Polyposis and no experimental evidence demonstrating its impact on protein function have been reported. ClinVar contains an entry for this variant (Variation ID: 2581334). Based on the evidence outlined above, the variant was classified as pathogenic.